The following is an entry in ClinVar:

NM_032444.4(SLX4):c.4892C>T (p.Ser1631Phe)

Gene: SLX4 (SLX4 structure-specific endonuclease subunit; minus strand). Cytogenetic location: 16p13.3.
Variant type: single nucleotide variant.
Coding change: c.4892C>T on transcript NM_032444.4 (MANE Select); coding-DNA position 4892, C replaced by T.
Protein change: p.Ser1631Phe; replaces serine 1631 with phenylalanine.
Molecular consequence: missense variant.
Genome position (GRCh38, 1-based): chr16:3,583,358, G>A on the plus strand (C>T on the coding strand, the complement: SLX4 is on the minus strand). VCF-style: chr16-3583358-G-A. GRCh37 (hg19) VCF-style: chr16-3633359-G-A.
Other names: short protein forms S1631F.
Identifiers: ClinVar variation 887098 (VCV000887098.12), dbSNP rs763539738, ClinGen allele CA7865476.

ClinVar aggregate classification (germline): Uncertain significance. Review status: criteria provided, multiple submitters, no conflicts (2 of 4 stars). 6 submissions from 6 submitters: Uncertain significance (6). Last evaluated 2026-01-04.

Conditions:
Inborn genetic diseases. Identifiers: MedGen C0950123, MeSH D030342.
Fanconi anemia complementation group P. Also called: SLX4-Related Fanconi Anemia. Identifiers: Orphanet 84, MedGen C3469542, MONDO:0013499, OMIM 613951.
Fanconi anemia (FA). Also called: Fanconi's anemia. Identifiers: Orphanet 84, MedGen C0015625, MeSH D005199, MONDO:0019391.

Allele frequency attached by ClinVar (database versions not stated): gnomAD 0.00001; gnomAD exomes 0.00002 and 0.00005; TOPMed 0.00003; ExAC 0.00006.
gnomAD v4.1: 25 of 1,613,308 alleles (0.0015%); highest among the groups gnomAD compares: Admixed American, 0.012%; no homozygotes.

Submissions (6):

Labcorp Genetics (formerly Invitae), Labcorp
Classification: Uncertain significance for Fanconi anemia. Last evaluated: 2026-01-04. Review status: criteria provided, single submitter. Criteria: Invitae Variant Classification Sherloc (09022015). Collection method: clinical testing. Allele origin: germline.
Comment: This sequence change replaces serine, which is neutral and polar, with phenylalanine, which is neutral and non-polar, at codon 1631 of the SLX4 protein (p.Ser1631Phe). This variant is present in population databases (rs763539738, gnomAD 0.01%). This variant has not been reported in the literature in individuals affected with SLX4-related conditions. ClinVar contains an entry for this variant (Variation ID: 887098). An algorithm developed to predict the effect of missense changes on protein structure and function (PolyPhen-2) suggests that this variant is likely to be tolerated. In summary, the available evidence is currently insufficient to determine the role of this variant in disease. Therefore, it has been classified as a Variant of Uncertain Significance.

Ambry Genetics
Classification: Uncertain significance for Inborn genetic diseases. Last evaluated: 2025-05-19. Review status: criteria provided, single submitter. Criteria: Ambry Variant Classification Scheme 2023. Collection method: clinical testing. Allele origin: germline.

Sema4
Classification: Uncertain significance for Fanconi anemia. Last evaluated: 2021-10-25. Review status: criteria provided, single submitter. Criteria: Sema4 Curation Guidelines. Collection method: curation. Allele origin: germline.
Comment: The SLX4 c.4892C>T (p.S1631F) variant has not been reported in the literature to our knowledge. It was observed in 6/35374 chromosomes of the Latino subpopulation in the large and broad cohorts of the Genome Aggregation Database (PMID: 32461654). The variant has been reported in ClinVar (Variation ID 887098). In silico tools suggest the impact of the variant on protein function is benign, though these predictions have not been confirmed by functional studies. The evidence is insufficient to meet ACMG/AMP criteria for classifying the variant as benign or pathogenic. Thus, the clinical significance of this variant is currently uncertain.

Fulgent Genetics
Classification: Uncertain significance for Fanconi anemia complementation group P. Last evaluated: 2021-07-05. Review status: criteria provided, single submitter. Criteria: ACMG Guidelines, 2015. Collection method: clinical testing. Allele origin: unknown.

Baylor Genetics
Classification: Uncertain significance for Fanconi anemia complementation group P. Last evaluated: 2020-08-27. Review status: criteria provided, single submitter. Criteria: ACMG Guidelines, 2015. Collection method: clinical testing. Allele origin: unknown. Affected: yes. Study: CSER-TexasKidsCanSeq.
Comment: This variant was determined to be of uncertain significance according to ACMG Guidelines, 2015 [PMID:25741868].

Illumina Laboratory Services, Illumina
Classification: Uncertain significance for Fanconi anemia complementation group P. Last evaluated: 2018-01-12. Review status: criteria provided, single submitter. Criteria: ICSL Variant Classification Criteria 13 December 2019. Collection method: clinical testing. Allele origin: germline.